The following is an entry in ClinVar:

ClinVar aggregate classification (germline): Likely pathogenic (1 of 4 stars; one submission).

Submission:

GeneDx
Classification: Likely pathogenic. Last evaluated: 2023-04-17. Review status: criteria provided, single submitter. Criteria: GeneDx Variant Classification Process June 2021. Collection method: clinical testing. Allele origin: germline. Affected: yes.
Comment: Not observed at significant frequency in large population cohorts (gnomAD); In silico analysis supports a deleterious effect on protein structure/function; This variant is associated with the following publications: (PMID: 21445611, 29423582)

NM_000143.4(FH):c.1104_1106delinsACT (p.Met368_Pro369delinsIleLeu)

Gene: FH (fumarate hydratase; minus strand). Cytogenetic location: 1q43.
Variant type: Indel.
Coding change: c.1104_1106delinsACT on transcript NM_000143.4 (MANE Select); coding-DNA positions 1104 to 1106, GCC replaced by ACT.
Protein change: p.Met368_Pro369delinsIleLeu.
Molecular consequence: missense variant.
Genome position (GRCh38, 1-based): chr1:241,504,044-241,504,046, GGC replaced by AGT on the plus strand (GCC replaced by ACT on the coding strand, the reverse complement: FH is on the minus strand). VCF-style: chr1-241504044-GGC-AGT. GRCh37 (hg19) VCF-style: chr1-241667344-GGC-AGT.
Other names: c.1104_1106delGCCinsACT (NM_000143.3).
Identifiers: ClinVar variation 214400 (VCV000214400.2), dbSNP rs863223987, ClinGen allele CA323289.